The following is an entry in ClinVar:

NM_182914.3(SYNE2):c.12171G>T (p.Leu4057Phe)

Gene: SYNE2 (spectrin repeat containing nuclear envelope protein 2; plus strand). Cytogenetic location: 14q23.2.
Variant type: single nucleotide variant.
Coding change: c.12171G>T on transcript NM_182914.3 (MANE Select); coding-DNA position 12171, G replaced by T.
Protein change: p.Leu4057Phe; replaces leucine 4057 with phenylalanine.
Molecular consequence: missense variant.
Genome position (GRCh38, 1-based): chr14:64,098,011, G>T. VCF-style: chr14-64098011-G-T. GRCh37 (hg19) VCF-style: chr14-64564729-G-T.
Other names: c.12171G>T, p.Leu4057Phe (NM_015180.6); short protein forms L4057F.
Identifiers: ClinVar variation 3713563 (VCV003713563.2).
Genomic context (GRCh38, chr14:64,098,011, plus strand): 5'-AGAAATCGAACGTATGGAGAAACAGATTCTGAGTTTGAACCAGAGAAAAGAAGACCTGTT[G>T]GTGGACTTGAAGGCCACCGTACTAAACCTTCACCAGCATTTGAAGCAAGAACAAGAAGGA-3'
Protein context (NP_878918.2, residues 4047-4067): LSLNQRKEDL[Leu4057Phe]VDLKATVLNL

ClinVar aggregate classification (germline): Uncertain significance (1 of 4 stars; one submission).

Conditions:
Emery-Dreifuss muscular dystrophy 5, autosomal dominant (EDMD5). Also called: EMERY-DREIFUSS MUSCULAR DYSTROPHY 5. Identifiers: Orphanet 261, MedGen C2751805, MONDO:0013072, OMIM 612999.

gnomAD v4.1: 7 of 1,614,182 alleles (0.00043%); highest among the groups gnomAD compares: Admixed American, 0.012%; no homozygotes.

Submission:

Labcorp Genetics (formerly Invitae), Labcorp
Classification: Uncertain significance for Emery-Dreifuss muscular dystrophy 5, autosomal dominant. Last evaluated: 2024-06-25. Review status: criteria provided, single submitter. Criteria: Invitae Variant Classification Sherloc (09022015). Collection method: clinical testing. Allele origin: germline.
Comment: This sequence change replaces leucine, which is neutral and non-polar, with phenylalanine, which is neutral and non-polar, at codon 4057 of the SYNE2 protein (p.Leu4057Phe). This variant is present in population databases (rs778136963, gnomAD 0.009%). This variant has not been reported in the literature in individuals affected with SYNE2-related conditions. An algorithm developed to predict the effect of missense changes on protein structure and function (PolyPhen-2) suggests that this variant is likely to be disruptive. In summary, the available evidence is currently insufficient to determine the role of this variant in disease. Therefore, it has been classified as a Variant of Uncertain Significance.